The following is an entry in ClinVar:

NM_025081.3(NYNRIN):c.1421C>T (p.Ser474Leu)

Gene: NYNRIN (NYN domain and retroviral integrase containing; plus strand). Cytogenetic location: 14q12.
Variant type: single nucleotide variant.
Coding change: c.1421C>T on transcript NM_025081.3 (MANE Select); coding-DNA position 1421, C replaced by T.
Protein change: p.Ser474Leu; replaces serine 474 with leucine.
Molecular consequence: missense variant.
Genome position (GRCh38, 1-based): chr14:24,409,215, C>T. VCF-style: chr14-24409215-C-T. GRCh37 (hg19) VCF-style: chr14-24878421-C-T.
Other names: c.1421C>T (NM_025081.2); short protein forms S474L.
Identifiers: ClinVar variation 3636591 (VCV003636591.3).
Genomic context (GRCh38, chr14:24,409,215, plus strand): 5'-CAAAAGTTACGAGTTTATTGGTGGTCCCTGGGAGCTCAGATGTAAAAGACAAAGTTAGCT[C>T]GGATCTCCCACAGATAGGGCCACCCTTGACCTCTACACCCCAACTACAGGCTGGAGGTGA-3'
Protein context (NP_079357.2, residues 464-484): GSSDVKDKVS[Ser474Leu]DLPQIGPPLT

ClinVar aggregate classification (germline): Conflicting classifications of pathogenicity. Review status: criteria provided, conflicting classifications (1 of 4 stars). 2 submissions from 2 submitters: Uncertain significance (1); Likely benign (1). Last evaluated 2025-02-08.

gnomAD v4.1: 23 of 1,613,888 alleles (0.0014%); highest among the groups gnomAD compares: Non-Finnish European, 0.0015%; no homozygotes.

Submissions (2):

Ambry Genetics
Classification: Likely benign. Last evaluated: 2025-02-08. Review status: criteria provided, single submitter. Criteria: Ambry Variant Classification Scheme 2023. Collection method: clinical testing. Allele origin: germline.

Labcorp Genetics (formerly Invitae), Labcorp
Classification: Uncertain significance. Last evaluated: 2024-06-05. Review status: criteria provided, single submitter. Criteria: Invitae Variant Classification Sherloc (09022015). Collection method: clinical testing. Allele origin: germline.
Comment: This sequence change replaces serine, which is neutral and polar, with leucine, which is neutral and non-polar, at codon 474 of the NYNRIN protein (p.Ser474Leu). This variant is present in population databases (rs760202880, gnomAD 0.007%). This variant has not been reported in the literature in individuals affected with NYNRIN-related conditions. Experimental studies and prediction algorithms are not available or were not evaluated, and the functional significance of this variant is currently unknown. In summary, the available evidence is currently insufficient to determine the role of this variant in disease. Therefore, it has been classified as a Variant of Uncertain Significance.